The following is an entry in ClinVar:

NM_005529.7(HSPG2):c.1120C>T (p.Arg374Ter)

Gene: HSPG2 (heparan sulfate proteoglycan 2; minus strand). Cytogenetic location: 1p36.12.
Variant type: single nucleotide variant.
Coding change: c.1120C>T on transcript NM_005529.7 (MANE Select); coding-DNA position 1120, C replaced by T.
Protein change: p.Arg374Ter; replaces arginine 374 with a stop codon.
Molecular consequence: nonsense.
Genome position (GRCh38, 1-based): chr1:21,885,410, G>A on the plus strand (C>T on the coding strand, the complement: HSPG2 is on the minus strand). VCF-style: chr1-21885410-G-A. GRCh37 (hg19) VCF-style: chr1-22211903-G-A.
Other names: c.1120C>T, p.Arg374Ter (NM_001291860.2); c.1120C>T (NM_005529.6); short protein forms R374*.
Identifiers: ClinVar variation 632102 (VCV000632102.17), dbSNP rs759220039, ClinGen allele CA673560.

ClinVar aggregate classification (germline): Pathogenic/Likely pathogenic. Review status: criteria provided, multiple submitters, no conflicts (2 of 4 stars). 5 submissions from 5 submitters: Pathogenic (2); Likely pathogenic (3). Last evaluated 2024-08-05.

Conditions:
Lethal Kniest-like syndrome (DDSH). Also called: Dyssegmental Dysplasia. Identifiers: Orphanet 1865, MedGen C1857100, MONDO:0009140, OMIM 224410.
Schwartz-Jampel syndrome type 1 (SJS1). Also called: MYOTONIC MYOPATHY, DWARFISM, CHONDRODYSTROPHY, AND OCULAR AND FACIAL ABNORMALITIES; CHONDRODYSTROPHIC MYOTONIA. Identifiers: MedGen C4551479, MONDO:0100435, OMIM 255800.
HSPG2-related disorder. Also called: HSPG2-related disorders; HSPG2-related condition.

Allele frequency attached by ClinVar (database versions not stated): gnomAD exomes below 0.00001 and 0.00001; ExAC 0.00001; gnomAD 0.00001.
gnomAD v4.1: 7 of 1,613,964 alleles (0.00043%); highest among the groups gnomAD compares: Admixed American, 0.005%; no homozygotes.

Submissions (5):

Athena Diagnostics
Classification: Likely pathogenic. Last evaluated: 2024-08-05. Review status: criteria provided, single submitter. Criteria: Athena Diagnostics Criteria. Collection method: clinical testing. Allele origin: unknown.
Comment: This variant is expected to result in the loss of a functional protein. The frequency of this variant in the general population is consistent with pathogenicity.

Labcorp Genetics (formerly Invitae), Labcorp
Classification: Pathogenic. Last evaluated: 2022-09-24. Review status: criteria provided, single submitter. Criteria: Invitae Variant Classification Sherloc (09022015). Collection method: clinical testing. Allele origin: germline.
Comment: This variant has not been reported in the literature in individuals affected with HSPG2-related conditions. This variant is present in population databases (rs759220039, gnomAD 0.003%). This sequence change creates a premature translational stop signal (p.Arg374*) in the HSPG2 gene. It is expected to result in an absent or disrupted protein product. Loss-of-function variants in HSPG2 are known to be pathogenic (PMID: 11279527, 16927315, 20542149, 23836246). For these reasons, this variant has been classified as Pathogenic. Algorithms developed to predict the effect of sequence changes on RNA splicing suggest that this variant may create or strengthen a splice site. ClinVar contains an entry for this variant (Variation ID: 632102).

Blueprint Genetics
Classification: Likely pathogenic for HSPG2-related disorders. Last evaluated: 2019-08-28. Review status: criteria provided, single submitter. Criteria: ACMG Guidelines, 2015. Collection method: clinical testing. Allele origin: germline. Affected: yes. Observed: 1 variant allele.

Revvity Omics, Revvity
Classification: Pathogenic. Last evaluated: 2019-06-12. Review status: criteria provided, single submitter. Criteria: ACMG Guidelines, 2015. Collection method: clinical testing. Allele origin: germline.

Juno Genomics, Hangzhou Juno Genomics, Inc
Classification: Likely pathogenic for Lethal Kniest-like syndrome; Schwartz-Jampel syndrome type 1. Review status: criteria provided, single submitter. Criteria: ACMG Guidelines, 2015. Collection method: clinical testing. Allele origin: germline.
Comment: Null variant in a gene where loss of function (LOF) is a known mechanism of disease.;Absent from controls (or at extremely low frequency if recessive) in Genome Aggregation Database.

Literature cited by the submitters: PubMed 11279527 (cited by Labcorp Genetics (formerly Invitae), Labcorp); PubMed 16927315 (cited by Labcorp Genetics (formerly Invitae), Labcorp); PubMed 20542149 (cited by Labcorp Genetics (formerly Invitae), Labcorp); PubMed 23836246 (cited by Labcorp Genetics (formerly Invitae), Labcorp).